The following is an entry in ClinVar:

NM_006231.4(POLE):c.4150-388A>G

Gene: POLE (DNA polymerase epsilon, catalytic subunit; minus strand). Cytogenetic location: 12q24.33.
Variant type: single nucleotide variant.
Coding change: c.4150-388A>G on transcript NM_006231.4 (MANE Select); 388 bases into the intron before coding-DNA position 4150, A replaced by G.
Molecular consequence: intron variant.
Genome position (GRCh38, 1-based): chr12:132,644,365, T>C on the plus strand (A>G on the coding strand, the complement: POLE is on the minus strand). VCF-style: chr12-132644365-T-C. GRCh37 (hg19) VCF-style: chr12-133220951-T-C.
Identifiers: ClinVar variation 2829852 (VCV002829852.3), dbSNP rs2042227620, ClinGen allele CA2072985304.
Genomic context (GRCh38, chr12:132,644,365, plus strand): 5'-ACACACCACCACGGATGGCTTTTTTTTTTTTTTTTTTTTTTTGTAGAAAGGAGGTCTCAC[T>C]ATGAGGCCCAGGCTGGTCTCAAACTCCTGGACTCAAGTGATCCTCCCAAATCGCTGGAAC-3'

ClinVar aggregate classification (germline): Pathogenic (1 of 4 stars; one submission).

Allele frequency attached by ClinVar (database versions not stated): TOPMed below 0.00001.

Submission:

Labcorp Genetics (formerly Invitae), Labcorp
Classification: Pathogenic. Last evaluated: 2025-01-06. Review status: criteria provided, single submitter. Criteria: Invitae Variant Classification Sherloc (09022015). Collection method: clinical testing. Allele origin: germline.
Comment: This sequence change falls in intron 32 of the POLE gene. It does not directly change the encoded amino acid sequence of the POLE protein. RNA analysis indicates that this variant induces altered splicing and may result in an absent or altered protein product. The frequency data for this variant in the population databases is considered unreliable, as metrics indicate insufficient coverage at this position in the gnomAD database. This variant has not been reported in the literature in individuals affected with POLE-related conditions. ClinVar contains an entry for this variant (Variation ID: 2829852). Studies have shown that this variant results in activation of a cryptic splice site, and produces a non-functional protein and/or introduces a premature termination codon (internal data). For these reasons, this variant has been classified as Pathogenic.